The following is an entry in ClinVar:

ClinVar aggregate classification (germline): Uncertain significance (1 of 4 stars; one submission).

Conditions:
Inborn genetic diseases. Identifiers: MedGen C0950123, MeSH D030342.

Submission:

Ambry Genetics
Classification: Uncertain significance for Inborn genetic diseases. Last evaluated: 2025-03-01. Review status: criteria provided, single submitter. Criteria: Ambry Variant Classification Scheme 2023. Collection method: clinical testing. Allele origin: germline.
Comment: The p.L476V variant (also known as c.1426C>G), located in coding exon 8 of the RECQL4 gene, results from a C to G substitution at nucleotide position 1426. The leucine at codon 476 is replaced by valine, an amino acid with highly similar properties. This amino acid position is conserved. In addition, the in silico prediction for this alteration is inconclusive. Based on the available evidence, the clinical significance of this variant remains unclear.

NM_004260.4(RECQL4):c.1426C>G (p.Leu476Val)

Gene: RECQL4 (RecQ like helicase 4; minus strand). Cytogenetic location: 8q24.3.
Variant type: single nucleotide variant.
Coding change: c.1426C>G on transcript NM_004260.4 (MANE Select); coding-DNA position 1426, C replaced by G.
Protein change: p.Leu476Val; replaces leucine 476 with valine.
Molecular consequence: missense variant. On other transcripts: 5 prime UTR variant (1), non-coding transcript variant (3).
Genome position (GRCh38, 1-based): chr8:144,515,207, G>C on the plus strand (C>G on the coding strand, the complement: RECQL4 is on the minus strand). VCF-style: chr8-144515207-G-C. GRCh37 (hg19) VCF-style: chr8-145740591-G-C.
Other names: c.1330C>G, p.Leu444Val (NM_001413017.1, NM_001413020.1); c.1426C>G, p.Leu476Val (NM_001413018.1, NM_001413019.1, NM_001413033.1 and 2 more transcripts); c.355C>G, p.Leu119Val (NM_001413021.1, NM_001413022.1, NM_001413023.1 and 8 more transcripts); c.1297C>G, p.Leu433Val (NM_001413025.1); c.289C>G, p.Leu97Val (NM_001413027.1, NM_001413030.1, NM_001413031.1 and 2 more transcripts); c.1075C>G, p.Leu359Val (NM_001413029.1); c.-42C>G (NM_001413043.1); short protein forms L476V, L97V, L444V, L359V, L433V, L119V.
Identifiers: ClinVar variation 3788065 (VCV003788065.1).